The following is an entry in ClinVar:

NM_000324.3(RHAG):c.209C>T (p.Thr70Ile)

Gene: RHAG (Rh associated glycoprotein; minus strand). Cytogenetic location: 6p12.3.
Variant type: single nucleotide variant.
Coding change: c.209C>T on transcript NM_000324.3 (MANE Select); coding-DNA position 209, C replaced by T.
Protein change: p.Thr70Ile; replaces threonine 70 with isoleucine.
Molecular consequence: missense variant.
Genome position (GRCh38, 1-based): chr6:49,619,311, G>A on the plus strand (C>T on the coding strand, the complement: RHAG is on the minus strand). VCF-style: chr6-49619311-G-A. GRCh37 (hg19) VCF-style: chr6-49587024-G-A.
Other names: p.Thr70Ile; short protein forms T70I.
Identifiers: ClinVar variation 1048967 (VCV001048967.5), dbSNP rs149343590, ClinGen allele CA3847964.

ClinVar aggregate classification (germline): Uncertain significance. Review status: criteria provided, multiple submitters, no conflicts (2 of 4 stars). 3 submissions from 3 submitters: Uncertain significance (2). 1 of the submissions does not count toward it. Last evaluated 2024-08-02.

Allele frequency attached by ClinVar (database versions not stated): ExAC 0.00005; ESP Exome Variant Server 0.00015.
gnomAD v4.1: 43 of 1,614,006 alleles (0.0027%); highest among the groups gnomAD compares: South Asian, 0.0011%; 1 homozygote.

Submissions (3):

Mayo Clinic Laboratories, Mayo Clinic
Classification: Uncertain significance. Last evaluated: 2024-08-02. Review status: criteria provided, single submitter. Criteria: ACMG Guidelines, 2015. Collection method: clinical testing. Allele origin: germline. Observed: 1 variant allele.
Comment: PM2

Revvity Omics, Revvity
Classification: Uncertain significance. Last evaluated: 2022-07-25. Review status: criteria provided, single submitter. Criteria: ACMG Guidelines, 2015. Collection method: clinical testing. Allele origin: germline.

Department of Pathology and Laboratory Medicine, Sinai Health System
Classification: Uncertain significance. Review status: no assertion criteria provided. Collection method: clinical testing. Allele origin: unknown. Affected: yes. Study: The Canadian Open Genetics Repository (COGR). Not counted in ClinVar's aggregate classification.
Comment: The RHAG p.Thr70Ile variant was not identified in the literature nor was it identified in ClinVar or Cosmic. The variant was identified in dbSNP (ID: rs149343590) and LOVD 3.0. The variant was identified in control databases in 14 of 251412 chromosomes at a frequency of 0.000056 (Genome Aggregation Database Feb 27, 2017). The variant was observed in the following populations: Ashkenazi Jewish in 12 of 10078 chromosomes (freq: 0.001191), South Asian in 1 of 30612 chromosomes (freq: 0.000033) and European (non-Finnish) in 1 of 113712 chromosomes (freq: 0.000009); it was not observed in the African, Latino, East Asian, European (Finnish) and Other populations. The variant occurs outside of the splicing consensus sequence and in silico or computational prediction software programs (SpliceSiteFinder, MaxEntScan, NNSPLICE, GeneSplicer) do not predict a difference in splicing. The p.Thr70 residue is conserved in mammals but not in more distantly related organisms, and 4 of 5 computational analyses (PolyPhen-2, SIFT, BLOSUM, MutationTaster) suggest that the variant may impact the protein; however, this information is not predictive enough to assume pathogenicity. In summary, based on the above information the clinical significance of this variant cannot be determined with certainty at this time. This variant is classified as a variant of uncertain significance.